The following is an entry in ClinVar:

ClinVar aggregate classification (germline): Uncertain significance. Review status: criteria provided, multiple submitters, no conflicts (2 of 4 stars). 3 submissions from 3 submitters: Uncertain significance (3). Last evaluated 2025-05-01.

Conditions:
Inborn genetic diseases. Identifiers: MedGen C0950123, MeSH D030342.
Holoprosencephaly sequence (HPE). Also called: Holoprosencephaly. Identifiers: Orphanet 2162, MedGen C0079541, MONDO:0016296, HP:0001360.

Allele frequency attached by ClinVar (database versions not stated): gnomAD exomes 0.00005; gnomAD 0.00007; TOPMed 0.00010; ExAC 0.00011; 1000 Genomes Project 30x 0.00016; 1000 Genomes Project 0.00020.
gnomAD v4.1: 163 of 1,602,946 alleles (0.01%); highest among the groups gnomAD compares: Non-Finnish European, 0.013%; 1 homozygote.

Submissions (3):

Labcorp Genetics (formerly Invitae), Labcorp
Classification: Uncertain significance for Holoprosencephaly sequence. Last evaluated: 2025-05-01. Review status: criteria provided, single submitter. Criteria: Invitae Variant Classification Sherloc (09022015). Collection method: clinical testing. Allele origin: germline.
Comment: This sequence change replaces proline, which is neutral and non-polar, with leucine, which is neutral and non-polar, at codon 183 of the FOXH1 protein (p.Pro183Leu). This variant is present in population databases (rs200095132, gnomAD 0.01%). This variant has not been reported in the literature in individuals affected with FOXH1-related conditions. ClinVar contains an entry for this variant (Variation ID: 1495854). Invitae Evidence Modeling of protein sequence and biophysical properties (such as structural, functional, and spatial information, amino acid conservation, physicochemical variation, residue mobility, and thermodynamic stability) indicates that this missense variant is not expected to disrupt FOXH1 protein function with a negative predictive value of 80%. In summary, the available evidence is currently insufficient to determine the role of this variant in disease. Therefore, it has been classified as a Variant of Uncertain Significance.

Ambry Genetics
Classification: Uncertain significance for Inborn genetic diseases. Last evaluated: 2024-06-25. Review status: criteria provided, single submitter. Criteria: Ambry Variant Classification Scheme 2023. Collection method: clinical testing. Allele origin: germline.

Breakthrough Genomics
Classification: Uncertain significance. Review status: criteria provided, single submitter. Criteria: ACMG Guidelines, 2015. Collection method: not provided. Allele origin: germline. Inheritance: Autosomal recessive inheritance. Affected: yes.

NM_003923.3(FOXH1):c.548C>T (p.Pro183Leu)

Gene: FOXH1 (forkhead box H1; minus strand). Cytogenetic location: 8q24.3.
Variant type: single nucleotide variant.
Coding change: c.548C>T on transcript NM_003923.3 (MANE Select); coding-DNA position 548, C replaced by T.
Protein change: p.Pro183Leu; replaces proline 183 with leucine.
Molecular consequence: missense variant.
Genome position (GRCh38, 1-based): chr8:144,474,788, G>A on the plus strand (C>T on the coding strand, the complement: FOXH1 is on the minus strand). VCF-style: chr8-144474788-G-A. GRCh37 (hg19) VCF-style: chr8-145700171-G-A.
Other names: c.548C>T (NM_003923.2); short protein forms P183L.
Identifiers: ClinVar variation 1495854 (VCV001495854.10), dbSNP rs200095132, ClinGen allele CA4945504.